The following is an entry in ClinVar:

ClinVar aggregate classification (germline): Pathogenic/Likely pathogenic. Review status: criteria provided, multiple submitters, no conflicts (2 of 4 stars). 5 submissions from 5 submitters: Pathogenic (2); Likely pathogenic (3). Last evaluated 2024-07-13.

Conditions:
GRIN2B-related disorder. Also called: GRIN2B-related condition.
Intellectual disability. Also called: intellectual disabilities; Intellectual functioning disability; Intellectual developmental disorder. Identifiers: MedGen C3714756, MeSH D008607, MONDO:0001071, HP:0001249.
Complex neurodevelopmental disorder. Identifiers: Orphanet 528084, MedGen C5568766, MONDO:0100038.
Intellectual developmental disorder, autosomal dominant 6, with or without seizures. Also called: GRIN2B-related developmental delay, intellectual disability and autism spectrum disorder; Intellectual disability, autosomal dominant 6. Identifiers: Orphanet 589547, MedGen C3151411, MONDO:0013509, OMIM 613970.

Submissions (5):

GeneDx
Classification: Pathogenic. Last evaluated: 2024-07-13. Review status: criteria provided, single submitter. Criteria: GeneDx Variant Classification Process June 2021. Collection method: clinical testing. Allele origin: germline. Affected: yes.
Comment: Not observed at significant frequency in large population cohorts (gnomAD); In silico analysis supports that this missense variant has a deleterious effect on protein structure/function; This variant is associated with the following publications: (PMID: 35571021, 35982159, 33057194, 36368308)

MVZ Martinsried, Medicover Genetics
Classification: Pathogenic for Intellectual developmental disorder, autosomal dominant 6, with or without seizures. Last evaluated: 2022-03-04. Review status: criteria provided, single submitter. Criteria: ACGS Guidelines, 2020. Collection method: clinical testing. Allele origin: de novo. Affected: yes.

Blueprint Genetics
Classification: Likely pathogenic for GRIN2B-related disorders. Last evaluated: 2021-09-06. Review status: criteria provided, single submitter. Criteria: ACMG Guidelines, 2015. Collection method: clinical testing. Allele origin: de novo. Affected: yes. Observed: 1 variant allele.

CeGaT Center for Human Genetics Tuebingen
Classification: Likely pathogenic. Last evaluated: 2021-07-01. Review status: criteria provided, single submitter. Criteria: CeGaT Center For Human Genetics Tuebingen Variant Classification Criteria Version 2. Collection method: clinical testing. Allele origin: germline. Affected: yes. Observed: 1 variant allele.

Diagnostic Laboratory, Strasbourg University Hospital
Classification: Likely pathogenic for Intellectual disability. Last evaluated: 2020-09-10. Review status: criteria provided, single submitter. Criteria: ACMG Guidelines, 2015. Collection method: clinical testing. Allele origin: de novo. Affected: yes. Observed: 1 heterozygote.

NM_000834.5(GRIN2B):c.2515G>A (p.Glu839Lys)

Gene: GRIN2B (glutamate ionotropic receptor NMDA type subunit 2B; minus strand). Cytogenetic location: 12p13.1.
Variant type: single nucleotide variant.
Coding change: c.2515G>A on transcript NM_000834.5 (MANE Select); coding-DNA position 2515, G replaced by A.
Protein change: p.Glu839Lys; replaces glutamic acid 839 with lysine.
Molecular consequence: missense variant.
Genome position (GRCh38, 1-based): chr12:13,567,108, C>T on the plus strand (G>A on the coding strand, the complement: GRIN2B is on the minus strand). VCF-style: chr12-13567108-C-T. GRCh37 (hg19) VCF-style: chr12-13720042-C-T.
Other names: short protein forms E839K.
Identifiers: ClinVar variation 426296 (VCV000426296.43), dbSNP rs1085307547, ClinGen allele CA383996186.